The following is an entry in ClinVar:

ClinVar aggregate classification (germline): Uncertain significance. Review status: criteria provided, multiple submitters, no conflicts (2 of 4 stars). 2 submissions from 2 submitters: Uncertain significance (2). Last evaluated 2025-10-27.

Conditions:
Hereditary cancer-predisposing syndrome. Also called: Neoplastic Syndromes, Hereditary; Tumor predisposition; Hereditary neoplastic syndrome; Hereditary Cancer Syndrome. Identifiers: Orphanet 140162, MedGen C0027672, MeSH D009386, MONDO:0015356.

Submissions (2):

Women's Health and Genetics/Laboratory Corporation of America, LabCorp
Classification: Uncertain significance. Last evaluated: 2025-10-27. Review status: criteria provided, single submitter. Criteria: LabCorp Variant Classification Summary - May 2015. Collection method: clinical testing. Allele origin: germline.
Comment: Variant summary: SMARCB1 c.433G>A (p.Val145Met) results in a conservative amino acid change in the encoded protein sequence. Algorithms developed to predict the effect of missense changes on protein structure and function are either unavailable or do not agree on the potential impact of this missense change. The variant was absent in 251488 control chromosomes. The available data on variant occurrences in the general population are insufficient to allow any conclusion about variant significance. To our knowledge, no occurrence of c.433G>A in individuals affected with SMARCB1-related conditions and no experimental evidence demonstrating its impact on protein function have been reported. ClinVar contains an entry for this variant (Variation ID: 824808). Based on the evidence outlined above, the variant was classified as uncertain significance.

Ambry Genetics
Classification: Uncertain significance for Hereditary cancer-predisposing syndrome. Last evaluated: 2025-09-04. Review status: criteria provided, single submitter. Criteria: Ambry Variant Classification Scheme 2023. Collection method: clinical testing. Allele origin: germline.
Comment: The p.V145M variant (also known as c.433G>A), located in coding exon 4 of the SMARCB1 gene, results from a G to A substitution at nucleotide position 433. The valine at codon 145 is replaced by methionine, an amino acid with highly similar properties. This amino acid position is highly conserved in available vertebrate species. In addition, this alteration is predicted to be deleterious by in silico analysis. Since supporting evidence is limited at this time, the clinical significance of this alteration remains unclear.

NM_003073.5(SMARCB1):c.433G>A (p.Val145Met)

Gene: SMARCB1 (SWI/SNF related BAF chromatin remodeling complex subunit B1; plus strand). Cytogenetic location: 22q11.23.
Variant type: single nucleotide variant.
Coding change: c.433G>A on transcript NM_003073.5 (MANE Select); coding-DNA position 433, G replaced by A.
Protein change: p.Val145Met; replaces valine 145 with methionine.
Molecular consequence: missense variant.
Genome position (GRCh38, 1-based): chr22:23,801,014, G>A. VCF-style: chr22-23801014-G-A. GRCh37 (hg19) VCF-style: chr22-24143201-G-A.
Other names: c.406G>A, p.Val136Met (NM_001007468.3, NM_001317946.2); c.433G>A, p.Val145Met (NM_001362877.2); short protein forms V136M, V145M.
Identifiers: ClinVar variation 824808 (VCV000824808.7), dbSNP rs1601401880, ClinGen allele CA410934444.